The following is an entry in ClinVar:

NM_000138.5(FBN1):c.7702G>A (p.Val2568Met)

Gene: FBN1 (fibrillin 1; minus strand). Cytogenetic location: 15q21.1.
Variant type: single nucleotide variant.
Coding change: c.7702G>A on transcript NM_000138.5 (MANE Select); coding-DNA position 7702, G replaced by A.
Protein change: p.Val2568Met; replaces valine 2568 with methionine.
Molecular consequence: missense variant.
Genome position (GRCh38, 1-based): chr15:48,420,804, C>T on the plus strand (G>A on the coding strand, the complement: FBN1 is on the minus strand). VCF-style: chr15-48420804-C-T. GRCh37 (hg19) VCF-style: chr15-48713001-C-T.
Other names: p.V2568M:GTG>ATG; short protein forms V2568M.
Identifiers: ClinVar variation 161238 (VCV000161238.14), dbSNP rs138558987, ClinGen allele CA017343.

ClinVar aggregate classification (germline): Uncertain significance. Review status: criteria provided, multiple submitters, no conflicts (2 of 4 stars). 5 submissions from 5 submitters: Uncertain significance (4). 1 of the submissions does not count toward it. Last evaluated 2025-05-21.

Conditions:
Marfan syndrome (MFS). Also called: Marfan syndrome, classic; FBN1-Related Marfan Syndrome; Marfan syndrome type 1; Marfan's syndrome; MARFAN SYNDROME, TYPE I. Identifiers: Orphanet 284963, Orphanet 558, MedGen C0024796, MONDO:0007947, OMIM 154700.
Familial thoracic aortic aneurysm and aortic dissection (TAAD). Also called: Thoracic aortic aneurysms and dissections. Identifiers: Orphanet 91387, MedGen C4707243, MONDO:0019625.

Allele frequency attached by ClinVar (database versions not stated): ExAC 0.00002; gnomAD exomes 0.00002 and 0.00005; ESP Exome Variant Server 0.00008; gnomAD 0.00001; TOPMed 0.00003.
gnomAD v4.1: 71 of 1,613,712 alleles (0.0044%); highest among the groups gnomAD compares: Non-Finnish European, 0.0057%; no homozygotes.

Submissions (5):

Color Diagnostics, LLC DBA Color Health
Classification: Uncertain significance for Familial thoracic aortic aneurysm and aortic dissection. Last evaluated: 2025-05-21. Review status: criteria provided, single submitter. Criteria: ACMG Guidelines, 2015. Collection method: clinical testing. Allele origin: germline.
Comment: This missense variant replaces valine with methionine at codon 2568 of the FBN1 protein. Computational prediction suggests that this variant may not impact protein structure and function. To our knowledge, functional studies have not been reported for this variant. This variant has been reported in an individual affected with Marfan syndrome or Marfan-like phenotype (PMID: 17627385, 19161152). This variant has been identified in 4/250482 chromosomes in the general population by the Genome Aggregation Database (gnomAD). The available evidence is insufficient to determine the role of this variant in disease conclusively. Therefore, this variant is classified as a Variant of Uncertain Significance.

All of Us Research Program, National Institutes of Health
Classification: Uncertain significance for Marfan syndrome. Last evaluated: 2023-05-31. Review status: criteria provided, single submitter. Criteria: ACMG Guidelines, 2015. Collection method: clinical testing. Allele origin: germline. Inheritance: Autosomal dominant inheritance. Observed: 2 variant alleles, 2 heterozygotes.
Comment: This missense variant replaces valine with methionine at codon 2568 of the FBN1 protein. Computational prediction suggests that this variant may not impact protein structure and function (internally defined REVEL score threshold <= 0.5, PMID: 27666373). To our knowledge, functional studies have not been reported for this variant. This variant has been reported in an individual affected with Marfan syndrome or Marfan-like phenotype (PMID: 17627385, 19161152). This variant has been identified in 4/250482 chromosomes in the general population by the Genome Aggregation Database (gnomAD). The available evidence is insufficient to determine the role of this variant in disease conclusively. Therefore, this variant is classified as a Variant of Uncertain Significance.

This study involves interpretation of variants in research participants for the purpose of population health screening. Participant phenotype was not available at the time of variant classification. Additional details can be found in publication PMID: 35346344, PMCID: PMC8962531

Labcorp Genetics (formerly Invitae), Labcorp
Classification: Uncertain significance for Marfan syndrome; Familial thoracic aortic aneurysm and aortic dissection. Last evaluated: 2022-09-07. Review status: criteria provided, single submitter. Criteria: Invitae Variant Classification Sherloc (09022015). Collection method: clinical testing. Allele origin: germline.
Comment: This missense change has been observed in individual(s) with clinical features of FBN1-related conditions (PMID: 17627385). In summary, the available evidence is currently insufficient to determine the role of this variant in disease. Therefore, it has been classified as a Variant of Uncertain Significance. Algorithms developed to predict the effect of missense changes on protein structure and function (SIFT, PolyPhen-2, Align-GVGD) all suggest that this variant is likely to be tolerated. ClinVar contains an entry for this variant (Variation ID: 161238). This variant is present in population databases (rs138558987, gnomAD 0.006%). This sequence change replaces valine, which is neutral and non-polar, with methionine, which is neutral and non-polar, at codon 2568 of the FBN1 protein (p.Val2568Met).

GeneDx
Classification: Uncertain significance. Last evaluated: 2022-08-10. Review status: criteria provided, single submitter. Criteria: GeneDx Variant Classification Process June 2021. Collection method: clinical testing. Allele origin: germline. Affected: yes.
Comment: Identified in patients with Marfan syndrome or FBN1-related disorders in published literature (Howarth et al., 2007; Turner et al., 2009; Dorschner et al., 2013; Amendola et al., 2015); Not observed at significant frequency in large population cohorts (gnomAD); In silico analysis supports that this missense variant does not alter protein structure/function; Although located in a calcium-binding EGF-like domain of the FBN1 gene, it does not affect a cysteine residue within this domain; cysteine substitutions in the calcium-binding EGF-like domains represent the majority of pathogenic missense changes associated with FBN1-related disorders (Collod-Beroud et al., 2003); This variant is associated with the following publications: (PMID: 25812041, 24055113, 25637381, 24941995, 12938084, 30019023, 19161152, 17627385)

CSER _CC_NCGL, University of Washington
Classification: Uncertain significance for Marfan syndrome. Last evaluated: 2014-06-01. Review status: no assertion criteria provided. Collection method: research. Allele origin: germline. Inheritance: Autosomal dominant inheritance. Study: ESP 6500 variant annotation. Not counted in ClinVar's aggregate classification.
Comment: Variants classified for the Actionable exomic incidental findings in 6503 participants: challenges of variant classification manuscript

Literature cited by the submitters: PubMed 17627385 (cited by 3 submitters); PubMed 19161152 (cited by Color Diagnostics, LLC DBA Color Health and All of Us Research Program, National Institutes of Health).